The following is an entry in ClinVar:

NM_032217.5(ANKRD17):c.1483G>T (p.Glu495Ter)

Gene: ANKRD17 (ankyrin repeat domain 17; minus strand). Cytogenetic location: 4q13.3.
Variant type: single nucleotide variant.
Coding change: c.1483G>T on transcript NM_032217.5 (MANE Select); coding-DNA position 1483, G replaced by T.
Protein change: p.Glu495Ter; replaces glutamic acid 495 with a stop codon.
Molecular consequence: nonsense.
Genome position (GRCh38, 1-based): chr4:73,148,897, C>A on the plus strand (G>T on the coding strand, the complement: ANKRD17 is on the minus strand). VCF-style: chr4-73148897-C-A. GRCh37 (hg19) VCF-style: chr4-74014614-C-A.
Other names: c.1144G>T, p.Glu382Ter (NM_001286771.3); c.1483G>T, p.Glu495Ter (NM_015574.2, NM_198889.3); short protein forms E495*, E382*.
Identifiers: ClinVar variation 3394021 (VCV003394021.1).

ClinVar aggregate classification (germline): Pathogenic (1 of 4 stars; one submission).

Conditions:
Inborn genetic diseases. Identifiers: MedGen C0950123, MeSH D030342.

Submission:

Ambry Genetics
Classification: Pathogenic for Inborn genetic diseases. Last evaluated: 2024-10-02. Review status: criteria provided, single submitter. Criteria: Ambry Variant Classification Scheme 2023. Collection method: clinical testing. Allele origin: germline.
Comment: The c.1483G>T (p.E495*) alteration, located in exon 8 (coding exon 8) of the ANKRD17 gene, consists of a G to T substitution at nucleotide position 1483. This changes the amino acid from a glutamic acid (E) to a stop codon at amino acid position 495. This alteration is expected to result in loss of function by premature protein truncation or nonsense-mediated mRNA decay. This variant was not reported in population-based cohorts in the Genome Aggregation Database (gnomAD). Based on the available evidence, this alteration is classified as pathogenic.